The following is an entry in ClinVar:

NM_000493.4(COL10A1):c.1202G>T (p.Gly401Val)

Genes: COL10A1 (collagen type X alpha 1 chain; minus strand), NT5DC1 (5'-nucleotidase domain containing 1; plus strand). Cytogenetic location: 6q22.1.
Variant type: single nucleotide variant.
Coding change: c.1202G>T on transcript NM_000493.4 (MANE Select); coding-DNA position 1202, G replaced by T.
Protein change: p.Gly401Val; replaces glycine 401 with valine.
Molecular consequence: missense variant. On other transcripts: intron variant (1).
Genome position (GRCh38, 1-based): chr6:116,120,914, C>A on the plus strand (G>T on the coding strand, the complement: COL10A1 is on the minus strand). VCF-style: chr6-116120914-C-A. GRCh37 (hg19) VCF-style: chr6-116442077-C-A.
Other names: c.1202G>T, p.Gly401Val (NM_001424106.1, NM_001424107.1); c.529+2969C>A (NM_152729.3); short protein forms G401V.
Identifiers: ClinVar variation 1021922 (VCV001021922.11), dbSNP rs1158588519, ClinGen allele CA365388922.

ClinVar aggregate classification (germline): Uncertain significance. Review status: criteria provided, multiple submitters, no conflicts (2 of 4 stars). 2 submissions from 2 submitters: Uncertain significance (2). Last evaluated 2026-06-04.

Conditions:
Inborn genetic diseases. Identifiers: MedGen C0950123, MeSH D030342.

Submissions (2):

Ambry Genetics
Classification: Uncertain significance for Inborn genetic diseases. Last evaluated: 2026-06-04. Review status: criteria provided, single submitter. Criteria: Ambry Variant Classification Scheme 2023. Collection method: clinical testing. Allele origin: germline.

Labcorp Genetics (formerly Invitae), Labcorp
Classification: Uncertain significance. Last evaluated: 2023-11-10. Review status: criteria provided, single submitter. Criteria: Invitae Variant Classification Sherloc (09022015). Collection method: clinical testing. Allele origin: germline.
Comment: This sequence change replaces glycine, which is neutral and non-polar, with valine, which is neutral and non-polar, at codon 401 of the COL10A1 protein (p.Gly401Val). This variant is not present in population databases (gnomAD no frequency). This variant has not been reported in the literature in individuals affected with COL10A1-related conditions. ClinVar contains an entry for this variant (Variation ID: 1021922). Advanced modeling of protein sequence and biophysical properties (such as structural, functional, and spatial information, amino acid conservation, physicochemical variation, residue mobility, and thermodynamic stability) has been performed at Invitae for this missense variant, however the output from this modeling did not meet the statistical confidence thresholds required to predict the impact of this variant on COL10A1 protein function. In summary, the available evidence is currently insufficient to determine the role of this variant in disease. Therefore, it has been classified as a Variant of Uncertain Significance.